The following is an entry in ClinVar:

ClinVar aggregate classification (germline): Uncertain significance. Review status: criteria provided, multiple submitters, no conflicts (2 of 4 stars). 2 submissions from 2 submitters: Uncertain significance (2). Last evaluated 2024-10-05.

Conditions:
Autosomal recessive osteopetrosis 1. Also called: TCIRG1-Related Autosomal Recessive Osteopetrosis; TCIRG1-Related Osteopetrosis; ALBERS-SCHONBERG DISEASE, AUTOSOMAL RECESSIVE. Identifiers: Orphanet 667, MedGen C1850127, MONDO:0009815, OMIM 259700.

Allele frequency attached by ClinVar (database versions not stated): TOPMed 0.00002.
gnomAD v4.1: 27 of 1,613,216 alleles (0.0017%); highest among the groups gnomAD compares: East Asian, 0.0089%; 1 homozygote.

Submissions (2):

Labcorp Genetics (formerly Invitae), Labcorp
Classification: Uncertain significance. Last evaluated: 2024-10-05. Review status: criteria provided, single submitter. Criteria: Invitae Variant Classification Sherloc (09022015). Collection method: clinical testing. Allele origin: germline.
Comment: This sequence change replaces serine, which is neutral and polar, with leucine, which is neutral and non-polar, at codon 474 of the TCIRG1 protein (p.Ser474Leu). This variant is present in population databases (rs199914625, gnomAD 0.03%). This variant has not been reported in the literature in individuals affected with TCIRG1-related conditions. ClinVar contains an entry for this variant (Variation ID: 561129). Invitae Evidence Modeling of protein sequence and biophysical properties (such as structural, functional, and spatial information, amino acid conservation, physicochemical variation, residue mobility, and thermodynamic stability) has been performed for this missense variant. However, the output from this modeling did not meet the statistical confidence thresholds required to predict the impact of this variant on TCIRG1 protein function. In summary, the available evidence is currently insufficient to determine the role of this variant in disease. Therefore, it has been classified as a Variant of Uncertain Significance.

Baylor Genetics
Classification: Uncertain significance for Autosomal recessive osteopetrosis 1. Last evaluated: 2017-09-01. Review status: criteria provided, single submitter. Criteria: ACMG Guidelines, 2015. Collection method: clinical testing. Allele origin: germline. Inheritance: Autosomal recessive inheritance. Affected: yes.

Literature cited by the submitters: PubMed 25326635 (cited by Baylor Genetics).

NM_006019.4(TCIRG1):c.1421C>T (p.Ser474Leu)

Gene: TCIRG1 (T cell immune regulator 1, ATPase H+ transporting V0 subunit a3; plus strand). Cytogenetic location: 11q13.2.
Variant type: single nucleotide variant.
Coding change: c.1421C>T on transcript NM_006019.4 (MANE Select); coding-DNA position 1421, C replaced by T.
Protein change: p.Ser474Leu; replaces serine 474 with leucine.
Molecular consequence: missense variant.
Genome position (GRCh38, 1-based): chr11:68,047,762, C>T. VCF-style: chr11-68047762-C-T. GRCh37 (hg19) VCF-style: chr11-67815229-C-T.
Other names: c.527C>T, p.Ser176Leu (NM_001351059.2); c.773C>T, p.Ser258Leu (NM_006053.4); short protein forms S474L, S176L, S258L.
Identifiers: ClinVar variation 561129 (VCV000561129.6), dbSNP rs199914625, ClinGen allele CA6147101.